The following is an entry in ClinVar:

ClinVar aggregate classification (germline): Uncertain significance (1 of 4 stars; one submission).

Conditions:
Loeys-Dietz syndrome 4 (LDS4). Also called: TGFB2-Related Loeys-Dietz Syndrome; ANEURYSM, AORTIC AND CEREBRAL, WITH ARTERIAL TORTUOSITY AND SKELETAL MANIFESTATIONS. Identifiers: MedGen C3553762, MONDO:0013897, OMIM 614816.

Submission:

Labcorp Genetics (formerly Invitae), Labcorp
Classification: Uncertain significance for Loeys-Dietz syndrome 4. Last evaluated: 2022-02-03. Review status: criteria provided, single submitter. Criteria: Invitae Variant Classification Sherloc (09022015). Collection method: clinical testing. Allele origin: germline.
Comment: In summary, the available evidence is currently insufficient to determine the role of this variant in disease. Therefore, it has been classified as a Variant of Uncertain Significance. Advanced modeling of protein sequence and biophysical properties (such as structural, functional, and spatial information, amino acid conservation, physicochemical variation, residue mobility, and thermodynamic stability) performed at Invitae indicates that this missense variant is not expected to disrupt TGFB2 protein function. This variant has not been reported in the literature in individuals affected with TGFB2-related conditions. This variant is not present in population databases (gnomAD no frequency). This sequence change replaces serine, which is neutral and polar, with glycine, which is neutral and non-polar, at codon 7 of the TGFB2 protein (p.Ser7Gly).

NM_003238.6(TGFB2):c.19A>G (p.Ser7Gly)

Gene: TGFB2 (transforming growth factor beta 2; plus strand). Cytogenetic location: 1q41.
Variant type: single nucleotide variant.
Coding change: c.19A>G on transcript NM_003238.6 (MANE Select); coding-DNA position 19, A replaced by G.
Protein change: p.Ser7Gly; replaces serine 7 with glycine.
Molecular consequence: missense variant. On other transcripts: non-coding transcript variant (2).
Genome position (GRCh38, 1-based): chr1:218,346,720, A>G. VCF-style: chr1-218346720-A-G. GRCh37 (hg19) VCF-style: chr1-218520062-A-G.
Other names: c.19A>G, p.Ser7Gly (NM_001135599.4); short protein forms S7G.
Identifiers: ClinVar variation 2092629 (VCV002092629.4), dbSNP rs2464548209, ClinGen allele CA344725108.